The following is an entry in ClinVar:

NM_000238.4(KCNH2):c.391G>A (p.Val131Met)

Gene: KCNH2 (potassium voltage-gated channel subfamily H member 2; minus strand). Cytogenetic location: 7q36.1.
Variant type: single nucleotide variant.
Coding change: c.391G>A on transcript NM_000238.4 (MANE Select); coding-DNA position 391, G replaced by A.
Protein change: p.Val131Met; replaces valine 131 with methionine.
Molecular consequence: missense variant.
Genome position (GRCh38, 1-based): chr7:150,959,653, C>T on the plus strand (G>A on the coding strand, the complement: KCNH2 is on the minus strand). VCF-style: chr7-150959653-C-T. GRCh37 (hg19) VCF-style: chr7-150656741-C-T.
Other names: c.103G>A, p.Val35Met (NM_001406753.1, NM_001406756.1); c.214G>A, p.Val72Met (NM_001406755.1); c.91G>A, p.Val31Met (NM_001406757.1); c.391G>A, p.Val131Met (NM_172056.3); short protein forms V131M, V31M, V72M, V35M.
Identifiers: ClinVar variation 920295 (VCV000920295.7), dbSNP rs142590566, ClinGen allele CA369863757.

ClinVar aggregate classification (germline): Uncertain significance (1 of 4 stars; one submission).

Conditions:
Cardiac arrhythmia. Also called: Cardiac rhythm disease; Arrhythmia. Identifiers: MedGen C0003811, MONDO:0007263, HP:0011675.

Submission:

Color Diagnostics, LLC DBA Color Health
Classification: Uncertain significance for Cardiac arrhythmia. Last evaluated: 2025-09-05. Review status: criteria provided, single submitter. Criteria: ACMG Guidelines, 2015. Collection method: clinical testing. Allele origin: germline.
Comment: This missense variant replaces valine with methionine at codon 131 of the KCNH2 protein. Computational prediction suggests that this variant may not impact protein structure and function. To our knowledge, functional studies have not been reported for this variant. This variant has not been reported in individuals affected with KCNH2-related disorders in the literature. This variant has not been identified in the general population by the Genome Aggregation Database (gnomAD). The available evidence is insufficient to determine the role of this variant in disease conclusively. Therefore, this variant is classified as a Variant of Uncertain Significance.